The following is an entry in ClinVar:

NM_000179.3(MSH6):c.1251G>T (p.Lys417Asn)

Gene: MSH6 (mutS homolog 6; plus strand). Cytogenetic location: 2p16.3.
Variant type: single nucleotide variant.
Coding change: c.1251G>T on transcript NM_000179.3 (MANE Select); coding-DNA position 1251, G replaced by T.
Protein change: p.Lys417Asn; replaces lysine 417 with asparagine.
Molecular consequence: missense variant. On other transcripts: non-coding transcript variant (4), intron variant (1).
Genome position (GRCh38, 1-based): chr2:47,799,234, G>T. VCF-style: chr2-47799234-G-T. GRCh37 (hg19) VCF-style: chr2-48026373-G-T.
Other names: c.861G>T, p.Lys287Asn (NM_001281492.2); c.345G>T, p.Lys115Asn (NM_001281493.2, NM_001281494.2, NM_001406814.1 and 6 more transcripts); c.1347G>T, p.Lys449Asn (NM_001406795.1, NM_001406802.1); c.1251G>T, p.Lys417Asn (NM_001406796.1, NM_001406798.1, NM_001406800.1 and 4 more transcripts); c.954G>T, p.Lys318Asn (NM_001406797.1, NM_001406801.1, NM_001406818.1 and 10 more transcripts); c.726G>T, p.Lys242Asn (NM_001406799.1, NM_001406806.1, NM_001406807.1); c.628-1432G>T (NM_001407362.1); c.1173G>T, p.Lys391Asn (NM_001406804.1); and 2 more; short protein forms K287N, K115N, K242N, K361N, K391N, K449N, K417N, K419N.
Identifiers: ClinVar variation 2859992 (VCV002859992.3), dbSNP rs1669312251, ClinGen allele CA346743841.

ClinVar aggregate classification (germline): Uncertain significance (1 of 4 stars; one submission).

Conditions:
Hereditary nonpolyposis colorectal neoplasms. Identifiers: MedGen C0009405, MeSH D003123.

Submission:

Labcorp Genetics (formerly Invitae), Labcorp
Classification: Uncertain significance for Hereditary nonpolyposis colorectal neoplasms. Last evaluated: 2023-04-28. Review status: criteria provided, single submitter. Criteria: Invitae Variant Classification Sherloc (09022015). Collection method: clinical testing. Allele origin: germline.
Comment: This sequence change replaces lysine, which is basic and polar, with asparagine, which is neutral and polar, at codon 417 of the MSH6 protein (p.Lys417Asn). In summary, the available evidence is currently insufficient to determine the role of this variant in disease. Therefore, it has been classified as a Variant of Uncertain Significance. Advanced modeling of protein sequence and biophysical properties (such as structural, functional, and spatial information, amino acid conservation, physicochemical variation, residue mobility, and thermodynamic stability) performed at Invitae indicates that this missense variant is expected to disrupt MSH6 protein function. This variant has not been reported in the literature in individuals affected with MSH6-related conditions. This variant is not present in population databases (gnomAD no frequency).